The following is an entry in ClinVar:

NM_013314.4(BLNK):c.896C>T (p.Ala299Val)

Genes: BLNK (B cell linker; minus strand), ZNF518A (zinc finger protein 518A; plus strand). Cytogenetic location: 10q24.1.
Variant type: single nucleotide variant.
Coding change: c.896C>T on transcript NM_013314.4 (MANE Select); coding-DNA position 896, C replaced by T.
Protein change: p.Ala299Val; replaces alanine 299 with valine.
Molecular consequence: missense variant. On other transcripts: non-coding transcript variant (5).
Genome position (GRCh38, 1-based): chr10:96,204,538, G>A on the plus strand (C>T on the coding strand, the complement: BLNK is on the minus strand). VCF-style: chr10-96204538-G-A. GRCh37 (hg19) VCF-style: chr10-97964294-G-A.
Other names: c.827C>T, p.Ala276Val (NM_001114094.2, NM_001258441.2); c.896C>T, p.Ala299Val (NM_001258440.2); c.581C>T, p.Ala194Val (NM_001258442.2); short protein forms A194V, A276V, A299V.
Identifiers: ClinVar variation 2733760 (VCV002733760.3), dbSNP rs782767942, ClinGen allele CA5623276.
Genomic context (GRCh38, chr10:96,204,538, plus strand): 5'-GTTAATTCCTGCAGCAACAAGAGGAAACTGATCTTTAAAGGAAAGGATTCTTACTTCTGG[G>A]CAGGAGGAAACACTGGTGACTGCACAGCTTCTTGTCTGTGACTTGACCCTCGGTGGCGTT-3'
Protein context (NP_037446.1, residues 289-309): EAVQSPVFPP[Ala299Val]QKQIHQKPIP

ClinVar aggregate classification (germline): Uncertain significance (1 of 4 stars; one submission).

Conditions:
Agammaglobulinemia 4, autosomal recessive (AGM4). Also called: AGAMMAGLOBULINEMIA, AUTOSOMAL RECESSIVE, DUE TO BLNK DEFECT; B cell linker protein deficiency. Identifiers: MedGen C3150752, MONDO:0013289, OMIM 613502.

Allele frequency attached by ClinVar (database versions not stated): ExAC 0.00001; gnomAD 0.00001; TOPMed 0.00001.
gnomAD v4.1: 11 of 1,613,848 alleles (0.00068%); highest among the groups gnomAD compares: East Asian, 0.011%; no homozygotes.

Submission:

Labcorp Genetics (formerly Invitae), Labcorp
Classification: Uncertain significance for Agammaglobulinemia 4, autosomal recessive. Last evaluated: 2023-12-27. Review status: criteria provided, single submitter. Criteria: Invitae Variant Classification Sherloc (09022015). Collection method: clinical testing. Allele origin: germline.
Comment: This sequence change replaces alanine, which is neutral and non-polar, with valine, which is neutral and non-polar, at codon 299 of the BLNK protein (p.Ala299Val). This variant is present in population databases (rs782767942, gnomAD 0.02%). This variant has not been reported in the literature in individuals affected with BLNK-related conditions. Advanced modeling of protein sequence and biophysical properties (such as structural, functional, and spatial information, amino acid conservation, physicochemical variation, residue mobility, and thermodynamic stability) performed at Invitae indicates that this missense variant is not expected to disrupt BLNK protein function with a negative predictive value of 80%. In summary, the available evidence is currently insufficient to determine the role of this variant in disease. Therefore, it has been classified as a Variant of Uncertain Significance.